The following is an entry in ClinVar:

NM_001018116.2(CAVIN4):c.775A>C (p.Ile259Leu)

Gene: CAVIN4 (caveolae associated protein 4; plus strand). Cytogenetic location: 9q31.1.
Variant type: single nucleotide variant.
Coding change: c.775A>C on transcript NM_001018116.2 (MANE Select); coding-DNA position 775, A replaced by C.
Protein change: p.Ile259Leu; replaces isoleucine 259 with leucine.
Molecular consequence: missense variant.
Genome position (GRCh38, 1-based): chr9:100,586,131, A>C. VCF-style: chr9-100586131-A-C. GRCh37 (hg19) VCF-style: chr9-103348413-A-C.
Other names: short protein forms I259L.
Identifiers: ClinVar variation 1302650 (VCV001302650.2), dbSNP rs765728679, ClinGen allele CA5160158.
Genomic context (GRCh38, chr9:100,586,131, plus strand): 5'-GAGAGGCTGAGACAGTCAGGGGAGAGGCTGAGACAGTCAGGGGAGAGGTTTAAGAAATCT[A>C]TTTCTAATGCAGCTCCCTCAAAGGAAGCTTTTAAGATGCGCAGCCTCAGGAAAGGTAAGG-3'
Protein context (NP_001018126.1, residues 249-269): RQSGERFKKS[Ile259Leu]SNAAPSKEAF

ClinVar aggregate classification (germline): Uncertain significance (1 of 4 stars; one submission).

Allele frequency attached by ClinVar (database versions not stated): ExAC 0.00002.

Submission:

GeneDx
Classification: Uncertain significance. Last evaluated: 2019-03-25. Review status: criteria provided, single submitter. Criteria: GeneDx Variant Classification Process June 2021. Collection method: clinical testing. Allele origin: germline. Affected: yes.
Comment: Not observed at a significant frequency in large population cohorts (Lek et al., 2016); In silico analysis, which includes protein predictors and evolutionary conservation, supports that this variant does not alter protein structure/function; Has not been previously published as pathogenic or benign to our knowledge